The following is an entry in ClinVar:

NM_002016.2(FLG):c.7564C>T (p.Gln2522Ter)

Genes: CCDST (cervical cancer associated DHX9 suppressive transcript; plus strand), FLG (filaggrin; minus strand). Cytogenetic location: 1q21.3.
Variant type: single nucleotide variant.
Coding change: c.7564C>T on transcript NM_002016.2 (MANE Select); coding-DNA position 7564, C replaced by T.
Protein change: p.Gln2522Ter; replaces glutamine 2522 with a stop codon.
Molecular consequence: nonsense.
Genome position (GRCh38, 1-based): chr1:152,307,322, G>A on the plus strand (C>T on the coding strand, the complement: FLG is on the minus strand). VCF-style: chr1-152307322-G-A. GRCh37 (hg19) VCF-style: chr1-152279798-G-A.
Other names: short protein forms Q2522*.
Identifiers: ClinVar variation 2580821 (VCV002580821.5), dbSNP rs767261854, ClinGen allele CA1104659.

ClinVar aggregate classification (germline): Pathogenic/Likely pathogenic. Review status: criteria provided, multiple submitters, no conflicts (2 of 4 stars). 3 submissions from 3 submitters: Pathogenic (2); Likely pathogenic (1). Last evaluated 2026-02-07.

Conditions:
FLG-related disorder. Also called: FLG-related condition; FLG-related disorders.
Dermatitis, atopic, 2. Identifiers: MedGen C1853965, MONDO:0011596, OMIM 605803.

Allele frequency attached by ClinVar (database versions not stated): TOPMed below 0.00001; gnomAD 0.00001.
gnomAD v4.1: 9 of 1,613,470 alleles (0.00056%); highest among the groups gnomAD compares: African/African-American, 0.0027%; no homozygotes.

Submissions (3):

GeneDx
Classification: Pathogenic. Last evaluated: 2026-02-07. Review status: criteria provided, single submitter. Criteria: GeneDx Variant Classification Process June 2021. Collection method: clinical testing. Allele origin: germline.
Comment: Nonsense variant predicted to result in protein truncation, as the last 1540 amino acid(s) are lost, and other loss-of-function variants have been reported downstream in HGMD; Not observed at significant frequency in large population cohorts (gnomAD); Has not been previously published as pathogenic or benign to our knowledge; This variant is associated with the following publications: (PMID: 16444271)

Institute of Human Genetics, University of Leipzig Medical Center
Classification: Pathogenic for Dermatitis, atopic, 2. Last evaluated: 2024-04-10. Review status: criteria provided, single submitter. Criteria: ACMG Guidelines, 2015. Collection method: clinical testing. Allele origin: unknown. Inheritance: Autosomal dominant inheritance. Affected: yes.
Comment: Criteria applied: PVS1,PS4_SUP,PM2_SUP

Rady Children's Institute for Genomic Medicine, Rady Children's Hospital San Diego
Classification: Likely pathogenic for FLG-related disorders. Last evaluated: 2024-02-09. Review status: criteria provided, single submitter. Criteria: ACMG Guidelines, 2015. Collection method: clinical testing. Allele origin: germline. Affected: yes.
Comment: This nonsense variant is found in the last exon of FLG, therefore the resulting mRNA is predicted to escape nonsense-mediated decay. However, nonsense variants located downstream of this variant have been reported as disease-causing variants in the literature (HGMD, ClinVar). Loss-of-function variation in FLG is an established mechanism of disease (PMID: 21428977). This variant has not been previously reported or functionally characterized in the literature to our knowledge. The c.7564C>T (p.Gln2522Ter) variant is present in the heterozygous state in the gnomAD v4 population database at a frequency of 0.0006% (9/1613470) and thus is presumed to be rare. Based on the available evidence, c.7564C>T (p.Gln2522Ter) is classified as Likely Pathogenic.